The following is an entry in ClinVar:

ClinVar aggregate classification (germline): Uncertain significance. Review status: criteria provided, multiple submitters, no conflicts (2 of 4 stars). 3 submissions from 3 submitters: Uncertain significance (3). Last evaluated 2024-12-04.

Conditions:
Inborn genetic diseases. Identifiers: MedGen C0950123, MeSH D030342.

Submissions (3):

Ambry Genetics
Classification: Uncertain significance for Inborn genetic diseases. Last evaluated: 2024-12-04. Review status: criteria provided, single submitter. Criteria: Ambry Variant Classification Scheme 2023. Collection method: clinical testing. Allele origin: germline.
Comment: The p.G257R variant (also known as c.769G>C), located in coding exon 8 of the DDX41 gene, results from a G to C substitution at nucleotide position 769. The glycine at codon 257 is replaced by arginine, an amino acid with dissimilar properties. This amino acid position is highly conserved in available vertebrate species. In addition, this alteration is predicted to be deleterious by in silico analysis. Based on the available evidence, the clinical significance of this variant remains unclear.

Labcorp Genetics (formerly Invitae), Labcorp
Classification: Uncertain significance. Last evaluated: 2023-10-26. Review status: criteria provided, single submitter. Criteria: Invitae Variant Classification Sherloc (09022015). Collection method: clinical testing. Allele origin: germline.
Comment: This sequence change replaces glycine, which is neutral and non-polar, with arginine, which is basic and polar, at codon 257 of the DDX41 protein (p.Gly257Arg). This variant is not present in population databases (gnomAD no frequency). This missense change has been observed in individual(s) with myeloid neoplasm (PMID: 35671390). An algorithm developed to predict the effect of missense changes on protein structure and function (PolyPhen-2) suggests that this variant is likely to be disruptive. In summary, the available evidence is currently insufficient to determine the role of this variant in disease. Therefore, it has been classified as a Variant of Uncertain Significance.

GeneDx
Classification: Uncertain significance. Last evaluated: 2023-10-13. Review status: criteria provided, single submitter. Criteria: GeneDx Variant Classification Process June 2021. Collection method: clinical testing. Allele origin: germline. Affected: yes.
Comment: Not observed at significant frequency in large population cohorts (gnomAD); In silico analysis supports that this missense variant has a deleterious effect on protein structure/function; Observed in the presumed germline of an individual with myelodysplastic syndrome (PMID: 33929502); This variant is associated with the following publications: (PMID: 33929502, 27721487)

Literature cited by the submitters: PubMed 35671390 (cited by Labcorp Genetics (formerly Invitae), Labcorp).

NM_016222.4(DDX41):c.769G>C (p.Gly257Arg)

Gene: DDX41 (DEAD-box helicase 41; minus strand). Cytogenetic location: 5q35.3.
Variant type: single nucleotide variant.
Coding change: c.769G>C on transcript NM_016222.4 (MANE Select); coding-DNA position 769, G replaced by C.
Protein change: p.Gly257Arg; replaces glycine 257 with arginine.
Molecular consequence: missense variant.
Genome position (GRCh38, 1-based): chr5:177,514,945, C>G on the plus strand (G>C on the coding strand, the complement: DDX41 is on the minus strand). VCF-style: chr5-177514945-C-G. GRCh37 (hg19) VCF-style: chr5-176941946-C-G.
Other names: c.769G>C (NM_016222.2); c.391G>C, p.Gly131Arg (NM_001321732.2, NM_001321830.2); short protein forms G131R, G257R.
Identifiers: ClinVar variation 2817197 (VCV002817197.5), dbSNP rs2532084369, ClinGen allele CA362375125.